The following is an entry in ClinVar:

NM_012283.2(KCNG2):c.268C>T (p.Leu90=)

Gene: KCNG2 (potassium voltage-gated channel modifier subfamily G member 2; plus strand). Cytogenetic location: 18q23.
Variant type: single nucleotide variant.
Coding change: c.268C>T on transcript NM_012283.2 (MANE Select); coding-DNA position 268, C replaced by T.
Protein change: p.Leu90=; no amino-acid change (leucine 90 retained).
Molecular consequence: synonymous variant.
Genome position (GRCh38, 1-based): chr18:79,863,935, C>T. VCF-style: chr18-79863935-C-T. GRCh37 (hg19) VCF-style: chr18-77623935-C-T.
Identifiers: ClinVar variation 2648836 (VCV002648836.24), dbSNP rs368738286, ClinGen allele CA9010807.
Genomic context (GRCh38, chr18:79,863,935, plus strand): 5'-TTCTTCGACCGCAGCCCGTGCGCCTTCCGCGCCATCGTGGCGCTTTTGCGCGCAGGGAAG[C>T]TGCGACTGCTGCGGGGCCCGTGCGCGCTGGCCTTCCGCGACGAGCTGGCCTACTGGGGCA-3'
Protein context (NP_036415.1, residues 80-100): AIVALLRAGK[Leu90=]RLLRGPCALA

ClinVar aggregate classification (germline): Likely benign (1 of 4 stars; one submission).

Allele frequency attached by ClinVar (database versions not stated): gnomAD 0.00003; TOPMed 0.00004; ESP Exome Variant Server 0.00008; ExAC 0.00012.
gnomAD v4.1: 73 of 1,353,840 alleles (0.0054%); highest among the groups gnomAD compares: Middle Eastern, 0.021%; no homozygotes.

Submission:

CeGaT Center for Human Genetics Tuebingen
Classification: Likely benign. Last evaluated: 2022-10-01. Review status: criteria provided, single submitter. Criteria: CeGaT Center For Human Genetics Tuebingen Variant Classification Criteria Version 2. Collection method: clinical testing. Allele origin: germline. Affected: yes. Observed: 1 variant allele.
Comment: KCNG2: BP4, BP7